The following is an entry in ClinVar:

NM_201596.3(CACNB2):c.1297_1298delinsGT (p.Pro433Val)

Gene: CACNB2 (calcium voltage-gated channel auxiliary subunit beta 2; plus strand). Cytogenetic location: 10p12.31.
Variant type: Indel.
Coding change: c.1297_1298delinsGT on transcript NM_201596.3 (MANE Select); coding-DNA positions 1297 to 1298, CC replaced by GT.
Protein change: p.Pro433Val; replaces proline 433 with valine.
Molecular consequence: missense variant.
Genome position (GRCh38, 1-based): chr10:18,536,191-18,536,192, CC replaced by GT. VCF-style: chr10-18536191-CC-GT. GRCh37 (hg19) VCF-style: chr10-18825120-CC-GT.
Other names: c.1018_1019delinsGT, p.Pro340Val (NM_001330060.2); c.1039_1040delCCinsGT, p.Pro347Val (NM_001410882.1); c.1153_1154delinsGT, p.Pro385Val (NM_201570.3); c.1213_1214delinsGT, p.Pro405Val (NM_201571.4); c.1141_1142delinsGT, p.Pro381Val (NM_201572.4); c.1135_1136delinsGT, p.Pro379Val (NM_201590.3); c.1183_1184delinsGT, p.Pro395Val (NM_201593.3); c.1225_1226delinsGT, p.Pro409Val (NM_201597.3); and 2 more; short protein forms P378V, P395V, P409V, P340V, P379V, P433V, P347V, P381V.
Identifiers: ClinVar variation 2011379 (VCV002011379.4), dbSNP rs2494820204, ClinGen allele CA2580081378.

ClinVar aggregate classification (germline): Uncertain significance (1 of 4 stars; one submission).

Conditions:
Brugada syndrome 4 (BRGDA4). Identifiers: Orphanet 130, MedGen C2678477, MONDO:0012743, OMIM 611876.

Submission:

Labcorp Genetics (formerly Invitae), Labcorp
Classification: Uncertain significance for Brugada syndrome 4. Last evaluated: 2022-06-27. Review status: criteria provided, single submitter. Criteria: Invitae Variant Classification Sherloc (09022015). Collection method: clinical testing. Allele origin: germline.
Comment: This sequence change replaces proline, which is neutral and non-polar, with valine, which is neutral and non-polar, at codon 379 of the CACNB2 protein (p.Pro379Val). Information on the frequency of this variant in the gnomAD database is not available, as this variant may be reported differently in the database. This variant has not been reported in the literature in individuals affected with CACNB2-related conditions. Algorithms developed to predict the effect of missense changes on protein structure and function are either unavailable or do not agree on the potential impact of this missense change (SIFT: "Not Available"; PolyPhen-2: "Probably Damaging"; Align-GVGD: "Not Available"). In summary, the available evidence is currently insufficient to determine the role of this variant in disease. Therefore, it has been classified as a Variant of Uncertain Significance.